The following is an entry in ClinVar:

NM_012092.4(ICOS):c.43A>G (p.Ile15Val)

Gene: ICOS (inducible T cell costimulator; plus strand). Cytogenetic location: 2q33.2.
Variant type: single nucleotide variant.
Coding change: c.43A>G on transcript NM_012092.4 (MANE Select); coding-DNA position 43, A replaced by G.
Protein change: p.Ile15Val; replaces isoleucine 15 with valine.
Molecular consequence: missense variant.
Genome position (GRCh38, 1-based): chr2:203,936,857, A>G. VCF-style: chr2-203936857-A-G. GRCh37 (hg19) VCF-style: chr2-204801580-A-G.
Other names: short protein forms I15V.
Identifiers: ClinVar variation 1978453 (VCV001978453.4), dbSNP rs752669955, ClinGen allele CA2067196.

ClinVar aggregate classification (germline): Uncertain significance (1 of 4 stars; one submission).

Conditions:
Immunodeficiency, common variable, 1. Also called: ANTIBODY DEFICIENCY DUE TO ICOS DEFECT. Identifiers: Orphanet 1572, Orphanet 695183, MedGen C3149378, MONDO:0011864, OMIM 607594.

Allele frequency attached by ClinVar (database versions not stated): TOPMed below 0.00001; gnomAD 0.00001; ExAC 0.00002; gnomAD exomes 0.00001.
gnomAD v4.1: 16 of 1,610,680 alleles (0.00099%); highest among the groups gnomAD compares: South Asian, 0.016%; no homozygotes.

Submission:

Labcorp Genetics (formerly Invitae), Labcorp
Classification: Uncertain significance for Immunodeficiency, common variable, 1. Last evaluated: 2022-07-10. Review status: criteria provided, single submitter. Criteria: Invitae Variant Classification Sherloc (09022015). Collection method: clinical testing. Allele origin: germline.
Comment: In summary, the available evidence is currently insufficient to determine the role of this variant in disease. Therefore, it has been classified as a Variant of Uncertain Significance. Algorithms developed to predict the effect of missense changes on protein structure and function output the following: SIFT: "Tolerated"; PolyPhen-2: "Benign"; Align-GVGD: "Class C0". The valine amino acid residue is found in multiple mammalian species, which suggests that this missense change does not adversely affect protein function. This variant has not been reported in the literature in individuals affected with ICOS-related conditions. This variant is present in population databases (rs752669955, gnomAD 0.02%). This sequence change replaces isoleucine, which is neutral and non-polar, with valine, which is neutral and non-polar, at codon 15 of the ICOS protein (p.Ile15Val).